The following is an entry in ClinVar:

ClinVar aggregate classification (germline): Uncertain significance (1 of 4 stars; one submission).

Submission:

Labcorp Genetics (formerly Invitae), Labcorp
Classification: Uncertain significance. Last evaluated: 2023-07-25. Review status: criteria provided, single submitter. Criteria: Invitae Variant Classification Sherloc (09022015). Collection method: clinical testing. Allele origin: germline.
Comment: In summary, the available evidence is currently insufficient to determine the role of this variant in disease. Therefore, it has been classified as a Variant of Uncertain Significance. This variant has not been reported in the literature in individuals affected with HOXA13-related conditions. This variant is present in population databases (no rsID available, gnomAD 0.001%). This variant, c.597_599dup, results in the insertion of 1 amino acid(s) of the HOXA13 protein (p.Ala205dup), but otherwise preserves the integrity of the reading frame.

NM_000522.5(HOXA13):c.597_599dup (p.Ala205_Phe206insAla)

Genes: HOXA13 (homeobox A13; minus strand), LOC107126288 (NUP98-HOXA13 recombination region; plus strand). Cytogenetic location: 7p15.2.
Variant type: Duplication.
Coding change: c.597_599dup on transcript NM_000522.5 (MANE Select); coding-DNA positions 597 to 599, 3 bases duplicated (GGC; older notation c.597_599dupGGC).
Protein change: p.Ala205_Phe206insAla.
Molecular consequence: inframe insertion.
Genome position (GRCh38, 1-based): chr7:27,199,479-27,199,481, GCC duplicated on the plus strand (GGC on the coding strand, the reverse complement: HOXA13 is on the minus strand); duplicating any 3 consecutive bases within chr7:27,199,479-27,199,482 gives the same sequence; the c. name uses the placement nearest the transcript's 3' end. VCF-style (leftmost placement, unchanged base first): chr7-27199478-G-GGCC. GRCh37 (hg19) VCF-style: chr7-27239097-G-GGCC.
Identifiers: ClinVar variation 3003510 (VCV003003510.3), dbSNP rs1562521361, ClinGen allele CA573759134.